The following is an entry in ClinVar:

ClinVar aggregate classification (germline): Uncertain significance (1 of 4 stars; one submission).

Submission:

Labcorp Genetics (formerly Invitae), Labcorp
Classification: Uncertain significance. Last evaluated: 2025-04-23. Review status: criteria provided, single submitter. Criteria: Invitae Variant Classification Sherloc (09022015). Collection method: clinical testing. Allele origin: germline.
Comment: This sequence change replaces methionine, which is neutral and non-polar, with isoleucine, which is neutral and non-polar, at codon 1456 of the TET2 protein (p.Met1456Ile). This variant is present in population databases (no rsID available, gnomAD 0.002%). This variant has not been reported in the literature in individuals affected with TET2-related conditions. An algorithm developed to predict the effect of missense changes on protein structure and function (PolyPhen-2) suggests that this variant is likely to be disruptive. In summary, the available evidence is currently insufficient to determine the role of this variant in disease. Therefore, it has been classified as a Variant of Uncertain Significance.

NM_001127208.3(TET2):c.4368G>A (p.Met1456Ile)

Genes: TET2 (tet methylcytosine dioxygenase 2; plus strand), TET2-AS1 (TET2 antisense RNA 1; minus strand). Cytogenetic location: 4q24.
Variant type: single nucleotide variant.
Coding change: c.4368G>A on transcript NM_001127208.3 (MANE Select); coding-DNA position 4368, G replaced by A.
Protein change: p.Met1456Ile; replaces methionine 1456 with isoleucine.
Molecular consequence: missense variant.
Genome position (GRCh38, 1-based): chr4:105,272,749, G>A. VCF-style: chr4-105272749-G-A. GRCh37 (hg19) VCF-style: chr4-106193906-G-A.
Other names: short protein forms M1456I.
Identifiers: ClinVar variation 4753675 (VCV004753675.1).
Genomic context (GRCh38, chr4:105,272,749, plus strand): 5'-GGAGAAAAAACGGAGTGGTGCCATTCAGGTACTGAGTTCTTTTCGGCGAAAAGTCAGGAT[G>A]TTAGCAGAGCCAGTCAAGACTTGCCGACAAAGGAAACTAGAAGCCAAGAAAGCTGCAGCT-3'
Protein context (NP_001120680.1, residues 1446-1466): VLSSFRRKVR[Met1456Ile]LAEPVKTCRQ